The following is an entry in ClinVar:

NM_000059.4(BRCA2):c.2677C>T (p.Gln893Ter)

Gene: BRCA2 (BRCA2 DNA repair associated; plus strand). Cytogenetic location: 13q13.1.
Variant type: single nucleotide variant.
Coding change: c.2677C>T on transcript NM_000059.4 (MANE Select); coding-DNA position 2677, C replaced by T.
Protein change: p.Gln893Ter; replaces glutamine 893 with a stop codon.
Molecular consequence: nonsense.
Genome position (GRCh38, 1-based): chr13:32,337,032, C>T. VCF-style: chr13-32337032-C-T. GRCh37 (hg19) VCF-style: chr13-32911169-C-T.
Other names: p.Gln893Ter; short protein forms Q893*.
Identifiers: ClinVar variation 462269 (VCV000462269.12), dbSNP rs1555282790, ClinGen allele CA387773409.

ClinVar aggregate classification (germline): Pathogenic. Review status: criteria provided, multiple submitters, no conflicts (2 of 4 stars). 6 submissions from 6 submitters: Pathogenic (5). 1 of the submissions does not count toward it. Last evaluated 2026-10-15.

Conditions:
Hereditary cancer-predisposing syndrome. Also called: Hereditary Cancer Syndrome; Hereditary neoplastic syndrome; Tumor predisposition; Neoplastic Syndromes, Hereditary. Identifiers: Orphanet 140162, MedGen C0027672, MeSH D009386, MONDO:0015356.
Hereditary breast ovarian cancer syndrome. Also called: Hereditary breast and/or ovarian cancer syndrome; Hereditary breast and ovarian cancer; Breast and ovarian cancer; BRCA1- and BRCA2-Associated Hereditary Breast and Ovarian Cancer; Hereditary breast and ovarian cancer syndrome; Hereditary breast and ovarian cancer syndrome (HBOC). Identifiers: Orphanet 145, MedGen C0677776, MeSH D061325, MONDO:0003582. Disease mechanism: loss of function.
Breast-ovarian cancer, familial, susceptibility to, 2 (BROVCA2). Also called: BRCA2 Hereditary Breast and Ovarian Cancer. Identifiers: Orphanet 145, MedGen C2675520, MONDO:0012933, OMIM 612555. Disease mechanism: loss of function.

Submissions (6):

Department of Molecular Genetics, Istishari Arab Hospital
Classification: Pathogenic for Breast-ovarian cancer, familial, susceptibility to, 2. Last evaluated: 2026-10-15. Review status: criteria provided, single submitter. Criteria: ACMG Guidelines, 2015. Collection method: clinical testing. Allele origin: germline. Inheritance: Autosomal dominant inheritance. Affected: yes.
Comment: The BRCA2 variant c.2677C>T, p.Gln893Ter creates termination of the reading frame at codon 893 in exon 11 (of 27 exons). The variant is not observed in the gnomAD v4.1.0 dataset. This variant has previously been identified in patients with Breast and Ovarian Cancer (PMID: 36537080, 20104584). It is classified as pathogenic according to the recommendations of ACMG/AMP/ClinGen SVI guidelines.

Labcorp Genetics (formerly Invitae), Labcorp
Classification: Pathogenic for Hereditary breast ovarian cancer syndrome. Last evaluated: 2025-10-16. Review status: criteria provided, single submitter. Criteria: Invitae Variant Classification Sherloc (09022015). Collection method: clinical testing. Allele origin: germline.
Comment: This sequence change creates a premature translational stop signal (p.Gln893*) in the BRCA2 gene. It is expected to result in an absent or disrupted protein product. Loss-of-function variants in BRCA2 are known to be pathogenic (PMID: 20104584). This variant is not present in population databases (gnomAD no frequency). This variant has not been reported in the literature in individuals affected with BRCA2-related conditions. ClinVar contains an entry for this variant (Variation ID: 462269). For these reasons, this variant has been classified as Pathogenic.

Ambry Genetics
Classification: Pathogenic for Hereditary cancer-predisposing syndrome. Last evaluated: 2023-10-31. Review status: criteria provided, single submitter. Criteria: Ambry Variant Classification Scheme 2023. Collection method: clinical testing. Allele origin: germline.
Comment: The p.Q893* pathogenic mutation (also known as c.2677C>T), located in coding exon 10 of the BRCA2 gene, results from a C to T substitution at nucleotide position 2677. This changes the amino acid from a glutamine to a stop codon within coding exon 10. This alteration was detected in a cohort of 152 Jordanian ovarian cancer patients (Abdel-Razeq H et al. Mol Genet Genomic Med, 2023 Apr;11:e2125). This alteration is expected to result in loss of function by premature protein truncation or nonsense-mediated mRNA decay. As such, this alteration is interpreted as a disease-causing mutation.

Clinical Genetics Laboratory, Skane University Hospital Lund
Classification: Pathogenic. Last evaluated: 2022-05-27. Review status: criteria provided, single submitter. Criteria: ACMG Guidelines, 2015. Collection method: clinical testing. Allele origin: germline. Affected: yes.

Genesis Genomics
Classification: Pathogenic for Breast-ovarian cancer, familial, susceptibility to, 2. Review status: criteria provided, single submitter. Criteria: ACMG Guidelines, 2015. Collection method: clinical testing. Allele origin: germline. Affected: yes. Observed: 1 variant allele.

Department of Pathology and Laboratory Medicine, Sinai Health System
Classification: Pathogenic for Breast-ovarian cancer, familial, susceptibility to, 2. Review status: no assertion criteria provided. Collection method: clinical testing. Allele origin: unknown. Affected: yes. Study: The Canadian Open Genetics Repository (COGR). Not counted in ClinVar's aggregate classification.
Comment: The BRCA2 p.Gln893* variant was identified in 1 of 5618 control chromosomes (frequency: 0.0002) from healthy individuals as a germline variant (Wen 2018); and in one individual affected with breast cancer as a somatic variant (Li 2017). It was also identified in dbSNP (ID: rs1555282790), in ClinVar (as Pathogenic by Invitae) and in the UMD-LSDB (1 record of causal biological significance) databases. The variant was not identified in LOVD 3.0 database, nor was it identified in the following control databases: the Exome Aggregation Consortium (August 8th 2016), or the Genome Aggregation Database (Feb 27, 2017). The p.Gln893* variant leads to a premature stop codon at position 893, which is predicted to lead to a truncated or absent protein and loss of function. Loss of function variants of the BRCA2 gene are an established mechanism of disease in hereditary breast and ovarian cancer and is the type of variant expected to cause the disorder.In summary, based on the above information this variant meets our laboratoryâ€šÃ„Ã´s criteria to be classified as pathogenic.

Literature cited by the submitters: PubMed 36537080 (cited by Department of Molecular Genetics, Istishari Arab Hospital and Ambry Genetics); PubMed 20104584 (cited by Department of Molecular Genetics, Istishari Arab Hospital and Labcorp Genetics (formerly Invitae), Labcorp).